The following is an entry in ClinVar:

ClinVar aggregate classification (germline): Uncertain significance (1 of 4 stars; one submission).

Allele frequency attached by ClinVar (database versions not stated): gnomAD exomes below 0.00001; gnomAD 0.00001; ExAC 0.00002; TOPMed 0.00002.
gnomAD v4.1: 5 of 1,610,268 alleles (0.00031%); highest among the groups gnomAD compares: African/African-American, 0.0053%; no homozygotes.

Submission:

Labcorp Genetics (formerly Invitae), Labcorp
Classification: Uncertain significance. Last evaluated: 2022-03-24. Review status: criteria provided, single submitter. Criteria: Invitae Variant Classification Sherloc (09022015). Collection method: clinical testing. Allele origin: germline.
Comment: In summary, the available evidence is currently insufficient to determine the role of this variant in disease. Therefore, it has been classified as a Variant of Uncertain Significance. Algorithms developed to predict the effect of missense changes on protein structure and function (SIFT, PolyPhen-2, Align-GVGD) all suggest that this variant is likely to be tolerated. This variant has not been reported in the literature in individuals affected with P3H2-related conditions. The frequency data for this variant in the population databases is considered unreliable, as metrics indicate poor data quality at this position in the gnomAD database. This sequence change replaces lysine, which is basic and polar, with glutamic acid, which is acidic and polar, at codon 160 of the P3H2 protein (p.Lys160Glu).

NM_018192.4(P3H2):c.478A>G (p.Lys160Glu)

Gene: P3H2 (prolyl 3-hydroxylase 2; minus strand). Cytogenetic location: 3q28.
Variant type: single nucleotide variant.
Coding change: c.478A>G on transcript NM_018192.4 (MANE Select); coding-DNA position 478, A replaced by G.
Protein change: p.Lys160Glu; replaces lysine 160 with glutamic acid.
Molecular consequence: missense variant. On other transcripts: intron variant (1).
Genome position (GRCh38, 1-based): chr3:190,120,254, T>C on the plus strand (A>G on the coding strand, the complement: P3H2 is on the minus strand). VCF-style: chr3-190120254-T-C. GRCh37 (hg19) VCF-style: chr3-189838043-T-C.
Other names: c.-64+1949A>G (NM_001134418.2); short protein forms K160E.
Identifiers: ClinVar variation 2116602 (VCV002116602.4), dbSNP rs776017457, ClinGen allele CA2753361.